The following is an entry in ClinVar:

ClinVar aggregate classification (germline): Conflicting classifications of pathogenicity. Review status: criteria provided, conflicting classifications (1 of 4 stars). 10 submissions from 10 submitters: Uncertain significance (8); Likely benign (2). Last evaluated 2026-01-19.

Conditions:
Hereditary cancer-predisposing syndrome. Also called: Hereditary Cancer Syndrome; Neoplastic Syndromes, Hereditary; Tumor predisposition; Hereditary neoplastic syndrome. Identifiers: Orphanet 140162, MedGen C0027672, MeSH D009386, MONDO:0015356.
Familial cancer of breast. Also called: BREAST CANCER, FAMILIAL; Hereditary breast cancer; hereditary breast carcinoma. Identifiers: Orphanet 227535, MedGen C0346153, MONDO:0016419, OMIM 114480. Disease mechanism: loss of function.
Fanconi anemia complementation group N. Also called: PALB2-Related Fanconi Anemia. Identifiers: Orphanet 84, MedGen C1835817, MONDO:0012565, OMIM 610832. Disease mechanism: loss of function.
Pancreatic cancer, susceptibility to, 3. Identifiers: Orphanet 1333, MedGen C3150547, MONDO:0013236, OMIM 613348.

Allele frequency attached by ClinVar (database versions not stated): TOPMed 0.00001; gnomAD 0.00001; gnomAD exomes 0.00001.
gnomAD v4.1: 11 of 1,614,118 alleles (0.00068%); highest among the groups gnomAD compares: South Asian, 0.0011%; no homozygotes.

Submissions (10):

Labcorp Genetics (formerly Invitae), Labcorp
Classification: Uncertain significance for Familial cancer of breast. Last evaluated: 2026-01-19. Review status: criteria provided, single submitter. Criteria: Invitae Variant Classification Sherloc (09022015). Collection method: clinical testing. Allele origin: germline.
Comment: This sequence change replaces histidine, which is basic and polar, with tyrosine, which is neutral and polar, at codon 786 of the PALB2 protein (p.His786Tyr). This variant is not present in population databases (gnomAD no frequency). This variant has not been reported in the literature in individuals affected with PALB2-related conditions. ClinVar contains an entry for this variant (Variation ID: 187278). Invitae Evidence Modeling of protein sequence and biophysical properties (such as structural, functional, and spatial information, amino acid conservation, physicochemical variation, residue mobility, and thermodynamic stability) indicates that this missense variant is not expected to disrupt PALB2 protein function with a negative predictive value of 80%. In summary, the available evidence is currently insufficient to determine the role of this variant in disease. Therefore, it has been classified as a Variant of Uncertain Significance.

Color Diagnostics, LLC DBA Color Health
Classification: Uncertain significance for Hereditary cancer-predisposing syndrome. Last evaluated: 2025-11-25. Review status: criteria provided, single submitter. Criteria: ACMG Guidelines, 2015. Collection method: clinical testing. Allele origin: germline.
Comment: This missense variant replaces histidine with tyrosine at codon 786 of the PALB2 protein. This is a missense variant in a gene for which primarily truncating variants are known to cause disease. To our knowledge, functional studies have not been reported for this variant. This variant has not been reported in individuals affected with PALB2-related disorders in the literature. This variant has not been identified in the general population by the Genome Aggregation Database (gnomAD). The available evidence is insufficient to determine the role of this variant in disease conclusively. Therefore, this variant is classified as a Variant of Uncertain Significance.

Ambry Genetics
Classification: Likely benign for Hereditary cancer-predisposing syndrome. Last evaluated: 2025-09-16. Review status: criteria provided, single submitter. Criteria: Ambry Variant Classification Scheme 2023. Collection method: clinical testing. Allele origin: germline.

Center for Genomic Medicine, Rigshospitalet, Copenhagen University Hospital
Classification: Uncertain significance. Last evaluated: 2025-03-04. Review status: criteria provided, single submitter. Criteria: ACMG Guidelines, 2015. Collection method: clinical testing. Allele origin: germline.

Myriad Genetics, Inc.
Classification: Likely benign for Familial cancer of breast. Last evaluated: 2025-01-16. Review status: criteria provided, single submitter. Criteria: Myriad Autosomal Dominant, Autosomal Recessive and X-Linked Classification Criteria (2023). Collection method: clinical testing. Allele origin: unknown.
Comment: This variant is considered likely benign. This variant is strongly associated with less severe personal and family histories of cancer, typical for individuals without pathogenic variants in this gene [PMID: 25085752].

Women's Health and Genetics/Laboratory Corporation of America, LabCorp
Classification: Uncertain significance. Last evaluated: 2023-10-02. Review status: criteria provided, single submitter. Criteria: LabCorp Variant Classification Summary - May 2015. Collection method: clinical testing. Allele origin: germline.

Baylor Genetics
Classification: Uncertain significance for Familial cancer of breast. Last evaluated: 2023-09-27. Review status: criteria provided, single submitter. Criteria: ACMG Guidelines, 2015. Collection method: clinical testing. Allele origin: unknown.

GeneDx
Classification: Uncertain significance. Last evaluated: 2023-04-04. Review status: criteria provided, single submitter. Criteria: GeneDx Variant Classification Process June 2021. Collection method: clinical testing. Allele origin: germline. Affected: yes.
Comment: Not observed in large population cohorts (gnomAD); In silico analysis supports that this missense variant does not alter protein structure/function; Has not been previously published as pathogenic or benign to our knowledge; This variant is associated with the following publications: (PMID: 28569743, 24485656)

Fulgent Genetics
Classification: Uncertain significance for Familial cancer of breast; Fanconi anemia complementation group N; Pancreatic cancer, susceptibility to, 3. Last evaluated: 2021-10-23. Review status: criteria provided, single submitter. Criteria: ACMG Guidelines, 2015. Collection method: clinical testing. Allele origin: unknown.

Revvity Omics, Revvity
Classification: Uncertain significance. Last evaluated: 2019-05-10. Review status: criteria provided, single submitter. Criteria: ACMG Guidelines, 2015. Collection method: clinical testing. Allele origin: germline.

Literature cited by the submitters: PubMed 25085752 (cited by Myriad Genetics, Inc.).

NM_024675.4(PALB2):c.2356C>T (p.His786Tyr)

Gene: PALB2 (partner and localizer of BRCA2; minus strand). Cytogenetic location: 16p12.2.
Variant type: single nucleotide variant.
Coding change: c.2356C>T on transcript NM_024675.4 (MANE Select); coding-DNA position 2356, C replaced by T.
Protein change: p.His786Tyr; replaces histidine 786 with tyrosine.
Molecular consequence: missense variant.
Genome position (GRCh38, 1-based): chr16:23,629,798, G>A on the plus strand (C>T on the coding strand, the complement: PALB2 is on the minus strand). VCF-style: chr16-23629798-G-A. GRCh37 (hg19) VCF-style: chr16-23641119-G-A.
Other names: short protein forms H786Y.
Identifiers: ClinVar variation 187278 (VCV000187278.34), dbSNP rs786203608, ClinGen allele CA197222.